The following is an entry in ClinVar:

ClinVar aggregate classification (germline): Uncertain significance (1 of 4 stars; one submission).

Conditions:
Emery-Dreifuss muscular dystrophy 4, autosomal dominant (EDMD4). Also called: EMERY-DREIFUSS MUSCULAR DYSTROPHY 4 WITH VARIABLE FEATURES. Identifiers: Orphanet 261, MedGen C2751807, MONDO:0013071, OMIM 612998.
Autosomal recessive ataxia, Beauce type. Also called: SYNE1 Deficiency; Spinocerebellar ataxia, autosomal recessive 8; ATAXIA, RECESSIVE, OF BEAUCE; SYNE1-Related Autosomal Recessive Cerebellar Ataxia. Identifiers: Orphanet 88644, MedGen C1853116, MONDO:0012549, OMIM 610743.

Allele frequency attached by ClinVar (database versions not stated): gnomAD exomes below 0.00001.
gnomAD v4.1: 1 of 1,614,046 alleles (0.000062%); highest among the groups gnomAD compares: Non-Finnish European, 0.000085%; no homozygotes.

Submission:

Labcorp Genetics (formerly Invitae), Labcorp
Classification: Uncertain significance for Emery-Dreifuss muscular dystrophy 4, autosomal dominant; Autosomal recessive ataxia, Beauce type. Last evaluated: 2022-01-10. Review status: criteria provided, single submitter. Criteria: Invitae Variant Classification Sherloc (09022015). Collection method: clinical testing. Allele origin: germline.
Comment: This sequence change replaces phenylalanine, which is neutral and non-polar, with leucine, which is neutral and non-polar, at codon 7085 of the SYNE1 protein (p.Phe7085Leu). In summary, the available evidence is currently insufficient to determine the role of this variant in disease. Therefore, it has been classified as a Variant of Uncertain Significance. Algorithms developed to predict the effect of missense changes on protein structure and function are either unavailable or do not agree on the potential impact of this missense change (SIFT: "Deleterious"; PolyPhen-2: "Benign"; Align-GVGD: "Class C15"). This variant has not been reported in the literature in individuals affected with SYNE1-related conditions. This variant is not present in population databases (gnomAD no frequency).

NM_182961.4(SYNE1):c.21468C>G (p.Phe7156Leu)

Gene: SYNE1 (spectrin repeat containing nuclear envelope protein 1; minus strand). Cytogenetic location: 6q25.2.
Variant type: single nucleotide variant.
Coding change: c.21468C>G on transcript NM_182961.4 (MANE Select); coding-DNA position 21468, C replaced by G.
Protein change: p.Phe7156Leu; replaces phenylalanine 7156 with leucine.
Molecular consequence: missense variant.
Genome position (GRCh38, 1-based): chr6:152,224,548, G>C on the plus strand (C>G on the coding strand, the complement: SYNE1 is on the minus strand). VCF-style: chr6-152224548-G-C. GRCh37 (hg19) VCF-style: chr6-152545683-G-C.
Other names: c.21255C>G, p.Phe7085Leu (NM_033071.5); short protein forms F7156L, F7085L.
Identifiers: ClinVar variation 2056015 (VCV002056015.4), dbSNP rs1562306753, ClinGen allele CA366107422.
Genomic context (GRCh38, chr6:152,224,548, plus strand): 5'-CCTTACCTGAAGATTGTCCACCTGAACTTGCACAGCTTCTAAGGAGCCAGTCAGCAGACG[G>C]AATCGGGAAAGAGAGTATCTGGCCTCCATGAGGTAACTGTTTATCTTGTCAAAGGCCACT-3'
Protein context (NP_892006.3, residues 7146-7166): LMEARYSLSR[Phe7156Leu]RLLTGSLEAV